The following is an entry in ClinVar:

ClinVar aggregate classification (germline): Uncertain significance (1 of 4 stars; one submission).

Allele frequency attached by ClinVar (database versions not stated): gnomAD exomes below 0.00001 and 0.00001; gnomAD 0.00001 and 0.00002; TOPMed 0.00002.
gnomAD v4.1: 6 of 1,613,546 alleles (0.00037%); highest among the groups gnomAD compares: Non-Finnish European, 0.00051%; no homozygotes.

Submission:

Labcorp Genetics (formerly Invitae), Labcorp
Classification: Uncertain significance. Last evaluated: 2020-11-04. Review status: criteria provided, single submitter. Criteria: Invitae Variant Classification Sherloc (09022015). Collection method: clinical testing. Allele origin: germline.
Comment: This variant is not present in population databases (ExAC no frequency). In summary, the available evidence is currently insufficient to determine the role of this variant in disease. Therefore, it has been classified as a Variant of Uncertain Significance. Algorithms developed to predict the effect of missense changes on protein structure and function are either unavailable or do not agree on the potential impact of this missense change (SIFT: "Deleterious"; PolyPhen-2: "Possibly Damaging"; Align-GVGD: "Class C15"). This variant has not been reported in the literature in individuals with ACBD5-related conditions. This sequence change replaces histidine with proline at codon 291 of the ACBD5 protein (p.His291Pro). The histidine residue is highly conserved and there is a moderate physicochemical difference between histidine and proline.

NM_145698.5(ACBD5):c.872A>C (p.His291Pro)

Gene: ACBD5 (acyl-CoA binding domain containing 5; minus strand). Cytogenetic location: 10p12.1.
Variant type: single nucleotide variant.
Coding change: c.872A>C on transcript NM_145698.5 (MANE Select); coding-DNA position 872, A replaced by C.
Protein change: p.His291Pro; replaces histidine 291 with proline.
Molecular consequence: missense variant.
Genome position (GRCh38, 1-based): chr10:27,215,599, T>G on the plus strand (A>C on the coding strand, the complement: ACBD5 is on the minus strand). VCF-style: chr10-27215599-T-G. GRCh37 (hg19) VCF-style: chr10-27504528-T-G.
Other names: c.767A>C, p.His256Pro (NM_001042473.4, NM_001352577.2, NM_001352578.2 and 1 more transcripts); c.866A>C, p.His289Pro (NM_001271512.3); c.545A>C, p.His182Pro (NM_001301251.2, NM_001301252.2, NM_001301253.2 and 2 more transcripts); c.341A>C, p.His114Pro (NM_001301254.2); c.926A>C, p.His309Pro (NM_001352568.1); c.905A>C, p.His302Pro (NM_001352569.1); c.872A>C, p.His291Pro (NM_001352570.1); c.899A>C, p.His300Pro (NM_001352571.1); and 10 more; short protein forms H114P, H223P, H234P, H238P, H284P, H289P, H300P, H267P.
Identifiers: ClinVar variation 1486858 (VCV001486858.7), dbSNP rs917185509, ClinGen allele CA204466286.
Genomic context (GRCh38, chr10:27,215,599, plus strand): 5'-TCTTGTCCAAATTGTTCCATAGAATCACAGTAAACTTCACTGTCTGAATCGCTTGTCAAA[T>G]GCTGAATTCCTGTAACATCTTCAACATGATCATCATTTATATCTAAATATGAACAAAAGT-3'
Protein context (NP_663736.2, residues 281-301): DHVEDVTGIQ[His291Pro]LTSDSDSEVY